The following is an entry in ClinVar:

ClinVar aggregate classification (germline): Benign/Likely benign. Review status: criteria provided, multiple submitters, no conflicts (2 of 4 stars). 8 submissions from 8 submitters: Benign (7); Likely benign (1). Last evaluated 2026-02-04.

Conditions:
Netherton syndrome (NETH). Also called: NETHERTON DISEASE; ERYTHRODERMA, ICHTHYOSIFORM, WITH HYPOTRICHOSIS AND HYPER-IgE; COMEL-NETHERTON SYNDROME. Identifiers: Orphanet 634, MedGen C5574950, MONDO:0009735, OMIM 256500.
Ichthyosis linearis circumflexa. Identifiers: MedGen C0265962, MONDO:0043106, HP:0025810.

Allele frequency attached by ClinVar (database versions not stated): ESP Exome Variant Server 0.43359; 1000 Genomes Project 30x 0.43676; 1000 Genomes Project 0.44010; gnomAD 0.45033 and 0.45439; TOPMed 0.45377; gnomAD exomes 0.51549 and 0.51913; ExAC 0.53997.
gnomAD v4.1: 815,005 of 1,600,236 alleles (51%); highest among the groups gnomAD compares: Admixed American, 66%; 211,794 homozygotes.

Submissions (8):

Labcorp Genetics (formerly Invitae), Labcorp
Classification: Benign for Ichthyosis linearis circumflexa. Last evaluated: 2026-02-04. Review status: criteria provided, single submitter. Criteria: Invitae Variant Classification Sherloc (09022015). Collection method: clinical testing. Allele origin: germline.

Women's Health and Genetics/Laboratory Corporation of America, LabCorp
Classification: Benign. Last evaluated: 2026-01-08. Review status: criteria provided, single submitter. Criteria: LabCorp Variant Classification Summary - May 2015. Collection method: clinical testing. Allele origin: germline.

Blueprint Genetics
Classification: Likely benign. Last evaluated: 2024-11-26. Review status: criteria provided, single submitter. Criteria: ACMG Guidelines, 2015. Collection method: clinical testing. Allele origin: germline.

Unidad de Genómica Garrahan, Hospital de Pediatría Garrahan
Classification: Benign. Last evaluated: 2024-01-24. Review status: criteria provided, single submitter. Criteria: ACMG Guidelines, 2015. Collection method: clinical testing. Allele origin: germline. Affected: no. Observed: 78 variant alleles.
Comment: This variant is classified as Benign based on local population frequency. This variant was detected in 89% of patients studied by a panel of primary immunodeficiencies. Number of patients: 78. Only high quality variants are reported.

Illumina Laboratory Services, Illumina
Classification: Benign for Netherton syndrome. Last evaluated: 2018-01-12. Review status: criteria provided, single submitter. Criteria: ICSL Variant Classification Criteria 13 December 2019. Collection method: clinical testing. Allele origin: germline.
Comment: This variant was observed in the ICSL laboratory as part of a predisposition screen in an ostensibly healthy population. It had not been previously curated by ICSL or reported in the Human Gene Mutation Database (HGMD: prior to June 1st, 2018), and was therefore a candidate for classification through an automated scoring system. Utilizing variant allele frequency, disease prevalence and penetrance estimates, and inheritance mode, an automated score was calculated to assess if this variant is too frequent to cause the disease. Based on the score and internal cut-off values, a variant classified as benign is not then subjected to further curation. The score for this variant resulted in a classification of benign for this disease.

Laboratory for Molecular Medicine, Mass General Brigham Personalized Medicine
Classification: Benign. Last evaluated: 2016-03-28. Review status: criteria provided, single submitter. Criteria: LMM Criteria. Collection method: clinical testing. Allele origin: germline.
Comment: Variant identified in a genome or exome case(s) and assessed due to predicted null impact of the variant or pathogenic assertions in the literature or databases. Disclaimer: This variant has not undergone full assessment. The following are preliminary notes: Frequency

GeneDx
Classification: Benign. Last evaluated: 2015-03-03. Review status: criteria provided, single submitter. Criteria: GeneDx Variant Classification Process June 2021. Collection method: clinical testing. Allele origin: germline. Affected: yes.

PreventionGenetics, part of Exact Sciences
Classification: Benign. Review status: criteria provided, single submitter. Criteria: ACMG Guidelines, 2015. Collection method: clinical testing. Allele origin: germline.

NM_006846.4(SPINK5):c.1011-12C>T

Gene: SPINK5 (serine peptidase inhibitor Kazal type 5; plus strand). Cytogenetic location: 5q32.
Variant type: single nucleotide variant.
Coding change: c.1011-12C>T on transcript NM_006846.4 (MANE Select); 12 bases into the intron before coding-DNA position 1011, C replaced by T.
Molecular consequence: intron variant.
Genome position (GRCh38, 1-based): chr5:148,099,222, C>T. VCF-style: chr5-148099222-C-T. GRCh37 (hg19) VCF-style: chr5-147478785-C-T.
Other names: c.1011-12C>T (NM_001127698.2, NM_001127699.2).
Identifiers: ClinVar variation 260041 (VCV000260041.22), dbSNP rs1422991, ClinGen allele CA3495440.
Genomic context (GRCh38, chr5:148,099,222, plus strand): 5'-GTGCAAGGATGTGGAGAAATCATGGCATGTGTTTGTTCCTAATGGATCTGCTTCTTTTTC[C>T]CTCTTATTCAGCCAAGCAGAAAATGAAGAAAAGAAAAAGGCTGAAGCACGAGCTAGAAAC-3'